The following is an entry in ClinVar:

NM_004586.3(RPS6KA3):c.916A>G (p.Asn306Asp)

Gene: RPS6KA3 (ribosomal protein S6 kinase A3; minus strand). Cytogenetic location: Xp22.12.
Variant type: single nucleotide variant.
Coding change: c.916A>G on transcript NM_004586.3 (MANE Select); coding-DNA position 916, A replaced by G.
Protein change: p.Asn306Asp; replaces asparagine 306 with aspartic acid.
Molecular consequence: missense variant.
Genome position (GRCh38, 1-based): chrX:20,177,014, T>C on the plus strand (A>G on the coding strand, the complement: RPS6KA3 is on the minus strand). VCF-style: chrX-20177014-T-C. GRCh37 (hg19) VCF-style: chrX-20195132-T-C.
Other names: c.832A>G, p.Asn278Asp (NM_001438340.1); short protein forms N278D, N306D.
Identifiers: ClinVar variation 4998173 (VCV004998173.1).

ClinVar aggregate classification (germline): Uncertain significance (1 of 4 stars; one submission).

Conditions:
RPS6KA3-related disorder. Also called: RPS6KA3-related condition.

Submission:

PreventionGenetics, part of Exact Sciences
Classification: Uncertain significance for RPS6KA3-related condition. Last evaluated: 2025-06-17. Review status: criteria provided, single submitter. Criteria: ACMG Guidelines, 2015. Collection method: clinical testing. Allele origin: germline.
Comment: The RPS6KA3 c.916A>G variant is predicted to result in the amino acid substitution p.Asn306Asp. To our knowledge, this variant has not been reported in the literature or in a large population database (gnomAD), indicating this variant is rare. At this time, the clinical significance of this variant is uncertain due to the absence of conclusive functional and genetic evidence.